The following is an entry in ClinVar:

ClinVar aggregate classification (germline): Uncertain significance. Review status: criteria provided, multiple submitters, no conflicts (2 of 4 stars). 2 submissions from 2 submitters: Uncertain significance (2). Last evaluated 2023-11-29.

Conditions:
DOCK2 deficiency. Also called: Immunodeficiency 40. Identifiers: Orphanet 447737, MedGen C4225328, MONDO:0014637, OMIM 616433.
Inborn genetic diseases. Identifiers: MedGen C0950123, MeSH D030342.

Allele frequency attached by ClinVar (database versions not stated): gnomAD exomes 0.00001; ExAC 0.00002; TOPMed 0.00005; gnomAD 0.00009; ESP Exome Variant Server 0.00015.
gnomAD v4.1: 65 of 1,613,712 alleles (0.004%); highest among the groups gnomAD compares: Non-Finnish European, 0.0053%; no homozygotes.

Submissions (2):

Ambry Genetics
Classification: Uncertain significance for Inborn genetic diseases. Last evaluated: 2023-11-29. Review status: criteria provided, single submitter. Criteria: Ambry Variant Classification Scheme 2023. Collection method: clinical testing. Allele origin: germline.

Labcorp Genetics (formerly Invitae), Labcorp
Classification: Uncertain significance for DOCK2 deficiency. Last evaluated: 2021-04-04. Review status: criteria provided, single submitter. Criteria: Invitae Variant Classification Sherloc (09022015). Collection method: clinical testing. Allele origin: germline.
Comment: This variant is present in population databases (rs372498181, ExAC 0.003%). In summary, the available evidence is currently insufficient to determine the role of this variant in disease. Therefore, it has been classified as a Variant of Uncertain Significance. Algorithms developed to predict the effect of missense changes on protein structure and function (SIFT, PolyPhen-2, Align-GVGD) all suggest that this variant is likely to be tolerated, but these predictions have not been confirmed by published functional studies and their clinical significance is uncertain. This variant has not been reported in the literature in individuals with DOCK2-related conditions. This sequence change replaces isoleucine with valine at codon 464 of the DOCK2 protein (p.Ile464Val). The isoleucine residue is moderately conserved and there is a small physicochemical difference between isoleucine and valine.

NM_004946.3(DOCK2):c.1390A>G (p.Ile464Val)

Gene: DOCK2 (dedicator of cytokinesis 2; plus strand). Cytogenetic location: 5q35.1.
Variant type: single nucleotide variant.
Coding change: c.1390A>G on transcript NM_004946.3 (MANE Select); coding-DNA position 1390, A replaced by G.
Protein change: p.Ile464Val; replaces isoleucine 464 with valine.
Molecular consequence: missense variant. On other transcripts: non-coding transcript variant (1).
Genome position (GRCh38, 1-based): chr5:169,708,175, A>G. VCF-style: chr5-169708175-A-G. GRCh37 (hg19) VCF-style: chr5-169135179-A-G.
Other names: short protein forms I464V.
Identifiers: ClinVar variation 936183 (VCV000936183.8), dbSNP rs372498181, ClinGen allele CA3553459.
Genomic context (GRCh38, chr5:169,708,175, plus strand): 5'-ACAGAAAATGACAATTCTGTAGTCTTTTCCCTCACTTTGTTTTTCTTGGGTCAGAATGCA[A>G]TTTGCGTGGGAGCAGGGGACAAGCCCATGAATGAGTATCGCTCCGTTGTGTACTATCAAG-3'
Protein context (NP_004937.1, residues 454-474): AEDGKTLPNA[Ile464Val]CVGAGDKPMN